The following is an entry in ClinVar:

ClinVar aggregate classification (germline): Uncertain significance. Review status: criteria provided, multiple submitters, no conflicts (2 of 4 stars). 2 submissions from 2 submitters: Uncertain significance (2). Last evaluated 2025-05-04.

Conditions:
Brugada syndrome. Also called: Sudden Unexplained Death Syndrome; Sudden Unexplained Nocturnal Death Syndrome (SUNDS); Sudden unexpected nocturnal death syndrome; Sudden unexplained nocturnal death syndrome. Identifiers: Orphanet 130, MedGen C1142166, MONDO:0015263.

Allele frequency attached by ClinVar (database versions not stated): gnomAD exomes below 0.00001; TOPMed below 0.00001; ExAC 0.00001; ESP Exome Variant Server 0.00008.
gnomAD v4.1: 6 of 1,582,078 alleles (0.00038%); no homozygotes.

Submissions (2):

Labcorp Genetics (formerly Invitae), Labcorp
Classification: Uncertain significance for Brugada syndrome. Last evaluated: 2025-05-04. Review status: criteria provided, single submitter. Criteria: Invitae Variant Classification Sherloc (09022015). Collection method: clinical testing. Allele origin: germline.
Comment: This sequence change replaces glutamic acid, which is acidic and polar, with lysine, which is basic and polar, at codon 276 of the SLMAP protein (p.Glu276Lys). This variant is present in population databases (rs146606397, gnomAD 0.06%), and has an allele count higher than expected for a pathogenic variant. This variant has not been reported in the literature in individuals affected with SLMAP-related conditions. ClinVar contains an entry for this variant (Variation ID: 1762696). An algorithm developed to predict the effect of missense changes on protein structure and function (PolyPhen-2) suggests that this variant is likely to be disruptive. In summary, the available evidence is currently insufficient to determine the role of this variant in disease. Therefore, it has been classified as a Variant of Uncertain Significance.

Ambry Genetics
Classification: Uncertain significance. Last evaluated: 2024-12-15. Review status: criteria provided, single submitter. Criteria: Ambry Variant Classification Scheme 2023. Collection method: clinical testing. Allele origin: germline.

NM_001377540.1(SLMAP):c.826G>A (p.Glu276Lys)

Gene: SLMAP (sarcolemma associated protein; plus strand). Cytogenetic location: 3p14.3.
Variant type: single nucleotide variant.
Coding change: c.826G>A on transcript NM_001377540.1 (MANE Select); coding-DNA position 826, G replaced by A.
Protein change: p.Glu276Lys; replaces glutamic acid 276 with lysine.
Molecular consequence: missense variant. On other transcripts: non-coding transcript variant (1).
Genome position (GRCh38, 1-based): chr3:57,860,837, G>A. VCF-style: chr3-57860837-G-A. GRCh37 (hg19) VCF-style: chr3-57846564-G-A.
Other names: c.826G>A, p.Glu276Lys (NM_001304420.3, NM_001304421.2, NM_001377538.1 and 17 more transcripts); short protein forms E276K.
Identifiers: ClinVar variation 1762696 (VCV001762696.8), dbSNP rs146606397, ClinGen allele CA2466922.